The following is an entry in ClinVar:

ClinVar aggregate classification (germline): Uncertain significance. Review status: criteria provided, multiple submitters, no conflicts (2 of 4 stars). 2 submissions from 2 submitters: Uncertain significance (2). Last evaluated 2020-12-02.

Conditions:
TFRC-related combined immunodeficiency. Also called: Immunodeficiency 46. Identifiers: Orphanet 476113, MedGen C5568133, MONDO:0014760, OMIM 616740.

Allele frequency attached by ClinVar (database versions not stated): gnomAD exomes below 0.00001; ExAC 0.00001; TOPMed 0.00001.
gnomAD v4.1: 2 of 1,611,384 alleles (0.00012%); highest among the groups gnomAD compares: Non-Finnish European, 0.00017%; no homozygotes.

Submissions (2):

Baylor Genetics
Classification: Uncertain significance for TFRC-related combined immunodeficiency. Last evaluated: 2020-12-02. Review status: criteria provided, single submitter. Criteria: ACMG Guidelines, 2015. Collection method: clinical testing. Allele origin: maternal. Affected: yes.
Comment: This variant was determined to be of uncertain significance according to ACMG Guidelines, 2015 [PMID:25741868].

Labcorp Genetics (formerly Invitae), Labcorp
Classification: Uncertain significance. Last evaluated: 2020-11-21. Review status: criteria provided, single submitter. Criteria: Invitae Variant Classification Sherloc (09022015). Collection method: clinical testing. Allele origin: germline.
Comment: This sequence change falls in intron 16 of the TFRC gene. It does not directly change the encoded amino acid sequence of the TFRC protein. It affects a nucleotide within the consensus splice site of the intron. In summary, the available evidence is currently insufficient to determine the role of this variant in disease. Therefore, it has been classified as a Variant of Uncertain Significance. Nucleotide substitutions within the consensus splice site are a relatively common cause of aberrant splicing (PMID: 17576681, 9536098). Algorithms developed to predict the effect of sequence changes on RNA splicing suggest that this variant is not likely to affect RNA splicing, but this prediction has not been confirmed by published transcriptional studies. This variant has not been reported in the literature in individuals with TFRC-related conditions. This variant is present in population databases (rs769019945, ExAC 0.002%).

Literature cited by the submitters: PubMed 17576681 (cited by Labcorp Genetics (formerly Invitae), Labcorp); PubMed 9536098 (cited by Labcorp Genetics (formerly Invitae), Labcorp).

NM_001128148.3(TFRC):c.1678-3C>T

Gene: TFRC (transferrin receptor; minus strand). Cytogenetic location: 3q29.
Variant type: single nucleotide variant.
Coding change: c.1678-3C>T on transcript NM_001128148.3 (MANE Select); 3 bases into the intron before coding-DNA position 1678, C replaced by T.
Molecular consequence: intron variant.
Genome position (GRCh38, 1-based): chr3:196,055,304, G>A on the plus strand (C>T on the coding strand, the complement: TFRC is on the minus strand). VCF-style: chr3-196055304-G-A. GRCh37 (hg19) VCF-style: chr3-195782175-G-A.
Other names: c.832-3C>T (NM_001313966.2); c.1435-3C>T (NM_001313965.2); c.1678-3C>T (NM_003234.4).
Identifiers: ClinVar variation 1028097 (VCV001028097.6), dbSNP rs769019945, ClinGen allele CA2777797.